The following is an entry in ClinVar:

ClinVar aggregate classification (germline): Uncertain significance (1 of 4 stars; one submission).

Conditions:
TNF receptor-associated periodic fever syndrome (TRAPS) (FPF). Also called: TNF Receptor-Associated Periodic Fever Syndrome; FAMILIAL HIBERNIAN FEVER; TNF RECEPTOR-ASSOCIATED PERIODIC SYNDROME; TUMOR NECROSIS FACTOR RECEPTOR-ASSOCIATED PERIODIC SYNDROME; TNF receptor 1-associated periodic fever syndrome; Autosomal Dominant Familial Periodic Fever. Identifiers: Orphanet 32960, MedGen C1275126, MONDO:0007727, OMIM 142680.

Submission:

Labcorp Genetics (formerly Invitae), Labcorp
Classification: Uncertain significance for TNF receptor-associated periodic fever syndrome (TRAPS). Last evaluated: 2019-06-15. Review status: criteria provided, single submitter. Criteria: Invitae Variant Classification Sherloc (09022015). Collection method: clinical testing. Allele origin: germline.
Comment: This sequence change replaces threonine with proline at codon 90 of the TNFRSF1A protein (p.Thr90Pro). The threonine residue is highly conserved and there is a small physicochemical difference between threonine and proline. In summary, the available evidence is currently insufficient to determine the role of this variant in disease. Therefore, it has been classified as a Variant of Uncertain Significance. Algorithms developed to predict the effect of missense changes on protein structure and function are either unavailable or do not agree on the potential impact of this missense change (SIFT: "Tolerated"; PolyPhen-2: "Probably Damaging"; Align-GVGD: "Class C0"). This variant has been observed to segregate with tumor necrosis factor receptor-associated periodic syndrome (TRAPS) in a family (PMID: 28427379). This variant is not present in population databases (ExAC no frequency).

Literature cited by the submitters: PubMed 28427379.

NM_001065.4(TNFRSF1A):c.268A>C (p.Thr90Pro)

Gene: TNFRSF1A (TNF receptor superfamily member 1A; minus strand). Cytogenetic location: 12p13.31.
Variant type: single nucleotide variant.
Coding change: c.268A>C on transcript NM_001065.4 (MANE Select); coding-DNA position 268, A replaced by C.
Protein change: p.Thr90Pro; replaces threonine 90 with proline.
Molecular consequence: missense variant. On other transcripts: 5 prime UTR variant (2), non-coding transcript variant (1).
Genome position (GRCh38, 1-based): chr12:6,333,791, T>G on the plus strand (A>C on the coding strand, the complement: TNFRSF1A is on the minus strand). VCF-style: chr12-6333791-T-G. GRCh37 (hg19) VCF-style: chr12-6442957-T-G.
Other names: c.-57A>C (NM_001346091.2); c.-310A>C (NM_001346092.2); short protein forms T90P.
Identifiers: ClinVar variation 851841 (VCV000851841.9), dbSNP rs1592047833, ClinGen allele CA383550542.